The following is an entry in ClinVar:

NC_000009.11:g.(71833276_71835802)_(71855064_71861605)dup

Gene: TJP2 (tight junction protein 2; plus strand). Cytogenetic location: 9q21.11.
Variant type: Duplication.
Identifiers: ClinVar variation 397506 (VCV000397506.2).

ClinVar aggregate classification (germline): Pathogenic (1 of 4 stars; one submission).

Conditions:
Cholestasis, progressive familial intrahepatic, 4. Identifiers: Orphanet 480483, Orphanet 79304, MedGen C2931067, MONDO:0014381, OMIM 615878.

Submission:

Center of Genomic medicine, Geneva, University Hospital of Geneva
Classification: Pathogenic for Cholestasis, progressive familial intrahepatic, 4. Last evaluated: 2016-07-12. Review status: criteria provided, single submitter. Criteria: ACMG Guidelines, 2015. Collection method: clinical testing. Allele origin: maternal. Affected: yes.